The following is an entry in ClinVar:

ClinVar aggregate classification (germline): Uncertain significance (1 of 4 stars; one submission).

Submission:

Labcorp Genetics (formerly Invitae), Labcorp
Classification: Uncertain significance. Last evaluated: 2022-07-25. Review status: criteria provided, single submitter. Criteria: Invitae Variant Classification Sherloc (09022015). Collection method: clinical testing. Allele origin: germline.
Comment: In summary, the available evidence is currently insufficient to determine the role of this variant in disease. Therefore, it has been classified as a Variant of Uncertain Significance. Experimental studies and prediction algorithms are not available or were not evaluated, and the functional significance of this variant is currently unknown. This variant has not been reported in the literature in individuals affected with TRPM1-related conditions. This variant is present in population databases (rs750279909, gnomAD 0.002%). This variant, c.3849_3851del, results in the deletion of 1 amino acid(s) of the TRPM1 protein (p.Leu1283del), but otherwise preserves the integrity of the reading frame.

NM_001252024.2(TRPM1):c.3912ATT[1] (p.Leu1305del)

Gene: TRPM1 (transient receptor potential cation channel subfamily M member 1; minus strand). Cytogenetic location: 15q13.3.
Variant type: Microsatellite.
Coding change: c.3912ATT[1] on transcript NM_001252024.2 (MANE Select); one copy of the 3-base unit ATT starting at c.3912; the reference has two copies in a row; one copy, 3 bases deleted.
Protein change: p.Leu1305del; deletes leucine 1305.
Molecular consequence: inframe deletion.
Genome position (GRCh38, 1-based): chr15:31,002,783-31,002,785, AAT deleted on the plus strand (ATT on the coding strand, the reverse complement: TRPM1 is on the minus strand); deleting any 3 consecutive bases within chr15:31,002,783-31,002,790 gives the same sequence; the position shown is the placement nearest the transcript's 3' end. VCF-style (leftmost placement, unchanged base first): chr15-31002782-AAAT-A. GRCh37 (hg19) VCF-style: chr15-31294985-AAAT-A.
Other names: c.3963ATT[1], p.Leu1322del (NM_001252020.2); c.3846ATT[1], p.Leu1283del (NM_002420.6); short protein forms L1283del, L1305del, L1322del.
Identifiers: ClinVar variation 1025671 (VCV001025671.10), dbSNP rs750279909, ClinGen allele CA7451730.
Genomic context (GRCh38, chr15:31,002,782, plus strand): 5'-GAAGGAACAGGTTTTTTTCCTGACTCCTGTCCCTGGTGACGTGGAGAGAGATGTATCCTC[AAAT>A]AATAACTCTTCTCCGTTAAAATGATATCGATACAAGCTGTAGCCATCAGCGCTATTGATG-3'